The following is an entry in ClinVar:

ClinVar aggregate classification (germline): Likely benign (0 of 4 stars; one submission).

Conditions:
LEPR-related disorder. Also called: LEPR-related condition; LEPR-related disorders.

Submission:

PreventionGenetics, part of Exact Sciences
Classification: Likely benign for LEPR-related condition. Last evaluated: 2021-02-16. Review status: no assertion criteria provided. Collection method: clinical testing. Allele origin: germline.
Comment: This variant is classified as likely benign based on ACMG/AMP sequence variant interpretation guidelines (Richards et al. 2015 PMID: 25741868, with internal and published modifications).

NM_002303.6(LEPR):c.3243G>A (p.Gly1081=)

Gene: LEPR (leptin receptor; plus strand). Cytogenetic location: 1p31.3.
Variant type: single nucleotide variant.
Coding change: c.3243G>A on transcript NM_002303.6 (MANE Select); coding-DNA position 3243, G replaced by A.
Protein change: p.Gly1081=; no amino-acid change (glycine 1081 retained).
Molecular consequence: synonymous variant.
Genome position (GRCh38, 1-based): chr1:65,636,760, G>A. VCF-style: chr1-65636760-G-A. GRCh37 (hg19) VCF-style: chr1-66102443-G-A.
Identifiers: ClinVar variation 3358029 (VCV003358029.1).